The following is an entry in ClinVar:

ClinVar aggregate classification (germline): Uncertain significance (1 of 4 stars; one submission).

Conditions:
Autosomal dominant hypocalcemia 1 (HYPOC1). Also called: HYPOCALCEMIA, FAMILIAL. Identifiers: MedGen C3715128, MONDO:0011013, OMIM 601198.
Familial hypocalciuric hypercalcemia (FHH). Also called: Familial benign hypercalcemia. Identifiers: Orphanet 405, MedGen C1809471, MONDO:0018458.

gnomAD v4.1: 1 of 1,613,676 alleles (0.000062%); highest among the groups gnomAD compares: Non-Finnish European, 0.000085%; no homozygotes.

Submission:

Labcorp Genetics (formerly Invitae), Labcorp
Classification: Uncertain significance for Familial hypocalciuric hypercalcemia; Autosomal dominant hypocalcemia 1. Last evaluated: 2022-08-23. Review status: criteria provided, single submitter. Criteria: Invitae Variant Classification Sherloc (09022015). Collection method: clinical testing. Allele origin: germline.
Comment: In summary, the available evidence is currently insufficient to determine the role of this variant in disease. Therefore, it has been classified as a Variant of Uncertain Significance. Algorithms developed to predict the effect of missense changes on protein structure and function are either unavailable or do not agree on the potential impact of this missense change (SIFT: "Deleterious"; PolyPhen-2: "Benign"; Align-GVGD: "Class C0"). ClinVar contains an entry for this variant (Variation ID: 1414547). This variant has not been reported in the literature in individuals affected with CASR-related conditions. This variant is not present in population databases (gnomAD no frequency). This sequence change replaces isoleucine, which is neutral and non-polar, with serine, which is neutral and polar, at codon 857 of the CASR protein (p.Ile857Ser).

NM_000388.4(CASR):c.2570T>G (p.Ile857Ser)

Gene: CASR (calcium sensing receptor; plus strand). Cytogenetic location: 3q21.1.
Variant type: single nucleotide variant.
Coding change: c.2570T>G on transcript NM_000388.4 (MANE Select); coding-DNA position 2570, T replaced by G.
Protein change: p.Ile857Ser; replaces isoleucine 857 with serine.
Molecular consequence: missense variant.
Genome position (GRCh38, 1-based): chr3:122,284,524, T>G. VCF-style: chr3-122284524-T-G. GRCh37 (hg19) VCF-style: chr3-122003371-T-G.
Other names: c.2600T>G, p.Ile867Ser (NM_001178065.2); short protein forms I867S, I857S.
Identifiers: ClinVar variation 1414547 (VCV001414547.6), dbSNP rs766445416, ClinGen allele CA354160314.